The following is an entry in ClinVar:

NM_032634.4(PIGO):c.2560C>T (p.Arg854Cys)

Gene: PIGO (phosphatidylinositol glycan anchor biosynthesis class O; minus strand). Cytogenetic location: 9p13.3.
Variant type: single nucleotide variant.
Coding change: c.2560C>T on transcript NM_032634.4 (MANE Select); coding-DNA position 2560, C replaced by T.
Protein change: p.Arg854Cys; replaces arginine 854 with cysteine.
Molecular consequence: missense variant. On other transcripts: intron variant (2).
Genome position (GRCh38, 1-based): chr9:35,091,327, G>A on the plus strand (C>T on the coding strand, the complement: PIGO is on the minus strand). VCF-style: chr9-35091327-G-A. GRCh37 (hg19) VCF-style: chr9-35091324-G-A.
Other names: c.2560C>T (NM_032634.3); c.1345-36C>T (NM_152850.4, NM_001201484.2); short protein forms R854C.
Identifiers: ClinVar variation 2196391 (VCV002196391.4), dbSNP rs747057479, ClinGen allele CA5040394.
Genomic context (GRCh38, chr9:35,091,327, plus strand): 5'-CAAGCAGATGTAGGAGAAGGAAGCTCTGCAGAAACAGAAGCAGGAACACAAGGCTGATGC[G>A]CTCCGCATGCAACAGCAGAAGTGGGAAGGCCAACAGGGTGAGGGCTGTGACCATAGCAGC-3'
Protein context (NP_116023.2, residues 844-864): AFPLLLLHAE[Arg854Cys]ISLVFLLLFL

ClinVar aggregate classification (germline): Uncertain significance. Review status: criteria provided, multiple submitters, no conflicts (2 of 4 stars). 2 submissions from 2 submitters: Uncertain significance (2). Last evaluated 2023-03-09.

Conditions:
Hyperphosphatasia with impaired intellectual development syndrome 2. Also called: Hyperphosphatasia with intellectual disability syndrome 2; GLYCOSYLPHOSPHATIDYLINOSITOL BIOSYNTHESIS DEFECT 6. Identifiers: Orphanet 247262, MedGen C3553637, MONDO:0013882, OMIM 614749.

Allele frequency attached by ClinVar (database versions not stated): gnomAD exomes below 0.00001; ExAC 0.00001; gnomAD 0.00001; TOPMed 0.00001.
gnomAD v4.1: 8 of 1,614,042 alleles (0.0005%); highest among the groups gnomAD compares: South Asian, 0.0033%; no homozygotes.

Submissions (2):

GeneDx
Classification: Uncertain significance. Last evaluated: 2023-03-09. Review status: criteria provided, single submitter. Criteria: GeneDx Variant Classification Process June 2021. Collection method: clinical testing. Allele origin: germline. Affected: yes.
Comment: Not observed at significant frequency in large population cohorts (gnomAD); In silico analysis supports that this missense variant does not alter protein structure/function; Has not been previously published as pathogenic or benign to our knowledge

Labcorp Genetics (formerly Invitae), Labcorp
Classification: Uncertain significance for Hyperphosphatasia with impaired intellectual development syndrome 2. Last evaluated: 2022-04-15. Review status: criteria provided, single submitter. Criteria: Invitae Variant Classification Sherloc (09022015). Collection method: clinical testing. Allele origin: germline.
Comment: In summary, the available evidence is currently insufficient to determine the role of this variant in disease. Therefore, it has been classified as a Variant of Uncertain Significance. Algorithms developed to predict the effect of missense changes on protein structure and function are either unavailable or do not agree on the potential impact of this missense change (SIFT: "Deleterious"; PolyPhen-2: "Probably Damaging"; Align-GVGD: "Class C15"). This variant has not been reported in the literature in individuals affected with PIGO-related conditions. This variant is present in population databases (rs747057479, gnomAD 0.006%). This sequence change replaces arginine, which is basic and polar, with cysteine, which is neutral and slightly polar, at codon 854 of the PIGO protein (p.Arg854Cys).